The following is an entry in ClinVar:

ClinVar aggregate classification (germline): Uncertain significance (1 of 4 stars; one submission).

Conditions:
Cardiovascular phenotype. Identifiers: MedGen CN230736.

Allele frequency attached by ClinVar (database versions not stated): ExAC 0.00001; gnomAD exomes 0.00001.
gnomAD v4.1: 9 of 1,614,106 alleles (0.00056%); highest among the groups gnomAD compares: South Asian, 0.0088%; no homozygotes.

Submission:

Ambry Genetics
Classification: Uncertain significance for Cardiovascular phenotype. Last evaluated: 2023-04-08. Review status: criteria provided, single submitter. Criteria: Ambry Variant Classification Scheme 2023. Collection method: clinical testing. Allele origin: germline.
Comment: The p.E2380A variant (also known as c.7139A>C), located in coding exon 31 of the AKAP9 gene, results from an A to C substitution at nucleotide position 7139. The glutamic acid at codon 2380 is replaced by alanine, an amino acid with dissimilar properties. This amino acid position is conserved. In addition, this alteration is predicted to be tolerated by in silico analysis. Since supporting evidence is limited at this time, the clinical significance of this alteration remains unclear.

NM_005751.5(AKAP9):c.7139A>C (p.Glu2380Ala)

Gene: AKAP9 (A-kinase anchoring protein 9; plus strand). Cytogenetic location: 7q21.2.
Variant type: single nucleotide variant.
Coding change: c.7139A>C on transcript NM_005751.5 (MANE Select); coding-DNA position 7139, A replaced by C.
Protein change: p.Glu2380Ala; replaces glutamic acid 2380 with alanine.
Molecular consequence: missense variant.
Genome position (GRCh38, 1-based): chr7:92,079,272, A>C. VCF-style: chr7-92079272-A-C. GRCh37 (hg19) VCF-style: chr7-91708586-A-C.
Other names: c.1784A>C, p.Glu595Ala (NM_001379277.1); c.7115A>C, p.Glu2372Ala (NM_147185.3); short protein forms E595A, E2380A, E2372A.
Identifiers: ClinVar variation 2564460 (VCV002564460.2), dbSNP rs775472696, ClinGen allele CA4337239.